The following is an entry in ClinVar:

NM_000528.4(MAN2B1):c.969del (p.Asn324fs)

Gene: MAN2B1 (mannosidase alpha class 2B member 1; minus strand). Cytogenetic location: 19p13.13.
Variant type: Deletion.
Coding change: c.969del on transcript NM_000528.4 (MANE Select); coding-DNA position 969, one base deleted (G; older notation c.969delG).
Protein change: p.Asn324fs; shifts the reading frame from asparagine 324.
Molecular consequence: frameshift variant.
Genome position (GRCh38, 1-based): chr19:12,661,317, C deleted on the plus strand (G on the coding strand, the reverse complement: MAN2B1 is on the minus strand). VCF-style (leftmost placement, unchanged base first): chr19-12661316-TC-T. GRCh37 (hg19) VCF-style: chr19-12772130-TC-T.
Other names: c.969del, p.Asn324fs (NM_001173498.2); short protein forms N324fs.
Identifiers: ClinVar variation 1726288 (VCV001726288.3), dbSNP rs2512508095, ClinGen allele CA2580096544.

ClinVar aggregate classification (germline): Likely pathogenic. Review status: criteria provided, multiple submitters, no conflicts (2 of 4 stars). 2 submissions from 2 submitters: Likely pathogenic (2). Last evaluated 2023-09-06.

Conditions:
Deficiency of alpha-mannosidase (MANSA). Also called: Mannosidosis, alpha-, types I and II; LYSOSOMAL ALPHA-D-MANNOSIDASE DEFICIENCY; Alpha-Mannosidosis. Identifiers: Orphanet 61, MedGen C0024748, MONDO:0009561, OMIM 248500.

Submissions (2):

Baylor Genetics
Classification: Likely pathogenic for Deficiency of alpha-mannosidase. Last evaluated: 2023-09-06. Review status: criteria provided, single submitter. Criteria: ACMG Guidelines, 2015. Collection method: clinical testing. Allele origin: unknown.

Myriad Genetics, Inc.
Classification: Likely pathogenic for Deficiency of alpha-mannosidase. Last evaluated: 2021-12-12. Review status: criteria provided, single submitter. Criteria: Myriad Women's Health Autosomal Recessive and X-Linked Classification Criteria (2021). Collection method: clinical testing. Allele origin: unknown.
Comment: NM_000528.3(MAN2B1):c.969delG(N324Mfs*16) is expected to be pathogenic in the context of alpha-mannosidosis. This variant is predicted to lead to an abnormal or absent protein product due to the creation of a premature termination codon in MAN2B1, a gene where loss-of-function variants are known to be pathogenic. Please note: this variant was assessed in the context of healthy population screening.